The following is an entry in ClinVar:

NC_000019.9:g.(?_39002191)_(39003133_?)del

Gene: RYR1 (ryanodine receptor 1; plus strand). Cytogenetic location: 19q13.2.
Variant type: Deletion.
Identifiers: ClinVar variation 2423266 (VCV002423266.4).

ClinVar aggregate classification (germline): Pathogenic (1 of 4 stars; one submission).

Conditions:
RYR1-related disorder. Also called: RYR1-related condition; RYR1-related disorders. Identifiers: MedGen CN239331.

Submission:

Labcorp Genetics (formerly Invitae), Labcorp
Classification: Pathogenic for RYR1-related disorder. Last evaluated: 2022-08-22. Review status: criteria provided, single submitter. Criteria: Invitae Variant Classification Sherloc (09022015). Collection method: clinical testing. Allele origin: germline.
Comment: For these reasons, this variant has been classified as Pathogenic. This variant has not been reported in the literature in individuals affected with RYR1-related conditions. This variant is a gross deletion of the genomic region encompassing exon(s) 61-63 of the RYR1 gene. This deletion is out-of-frame, and is expected to create a premature termination codon and result in an absent or disrupted protein product. Loss-of-function variants in RYR1 are known to be pathogenic (PMID: 20583297, 20839240, 23919265, 28818389).

Literature cited by the submitters: PubMed 20583297; PubMed 20839240; PubMed 23919265; PubMed 28818389.